The following is an entry in ClinVar:

ClinVar aggregate classification (germline): Uncertain significance (1 of 4 stars; one submission).

Submission:

Labcorp Genetics (formerly Invitae), Labcorp
Classification: Uncertain significance. Last evaluated: 2025-07-15. Review status: criteria provided, single submitter. Criteria: Invitae Variant Classification Sherloc (09022015). Collection method: clinical testing. Allele origin: germline.
Comment: This sequence change falls in intron 13 of the TAF1 gene. It does not directly change the encoded amino acid sequence of the TAF1 protein. It affects a nucleotide within the consensus splice site. This variant is not present in population databases (gnomAD no frequency). This variant has not been reported in the literature in individuals affected with TAF1-related conditions. Variants that disrupt the consensus splice site are a relatively common cause of aberrant splicing (PMID: 17576681, 9536098). Algorithms developed to predict the effect of sequence changes on RNA splicing suggest that this variant may disrupt the consensus splice site. In summary, the available evidence is currently insufficient to determine the role of this variant in disease. Therefore, it has been classified as a Variant of Uncertain Significance.

Literature cited by the submitters: PubMed 17576681; PubMed 9536098.

NM_004606.5(TAF1):c.2122-3T>A

Gene: TAF1 (TATA-box binding protein associated factor 1; plus strand). Cytogenetic location: Xq13.1.
Variant type: single nucleotide variant.
Coding change: c.2122-3T>A on transcript NM_004606.5 (MANE Select); 3 bases into the intron before coding-DNA position 2122, T replaced by A.
Molecular consequence: intron variant.
Genome position (GRCh38, 1-based): chrX:71,384,942, T>A. VCF-style: chrX-71384942-T-A. GRCh37 (hg19) VCF-style: chrX-70604792-T-A.
Other names: c.2122-3T>A (NM_001440852.1, NM_001440853.1, NM_001286074.2); c.2059-3T>A (NM_001440854.1, NM_138923.4).
Identifiers: ClinVar variation 4749511 (VCV004749511.1).